The following is an entry in ClinVar:

ClinVar aggregate classification (germline): Likely pathogenic. Review status: criteria provided, multiple submitters, no conflicts (2 of 4 stars). 2 submissions from 2 submitters: Likely pathogenic (2). Last evaluated 2025-02-06.

Conditions:
Aplastic anemia. Identifiers: Orphanet 182040, Orphanet 88, MedGen C0002874, MONDO:0015909, OMIM 609135, HP:0001915.
Shwachman-Diamond syndrome 1 (SDS1). Also called: LIPOMATOSIS OF PANCREAS, CONGENITAL. Identifiers: MedGen C4692625, MONDO:0044204, OMIM 260400.

Allele frequency attached by ClinVar (database versions not stated): gnomAD exomes below 0.00001; ExAC 0.00001; gnomAD 0.00001; TOPMed 0.00001.
gnomAD v4.1: 7 of 1,610,620 alleles (0.00043%); highest among the groups gnomAD compares: East Asian, 0.0022%; no homozygotes.

Submissions (2):

Broad Center for Mendelian Genomics, Broad Institute of MIT and Harvard
Classification: Likely pathogenic for Shwachman-Diamond syndrome 1. Last evaluated: 2025-02-06. Review status: criteria provided, single submitter. Criteria: ACMG Guidelines, 2015. Collection method: curation. Allele origin: germline. Inheritance: Autosomal recessive inheritance.
Comment: The c.624+1G>A variant in SBDS has been reported in 4 individuals with Shwachman-Diamond syndrome (PMID: 15776428, 21659346, 26866830, 28602958), and has been identified in 0.002% (1/44870) of East Asian chromosomes by the Genome Aggregation Database (gnomAD; dbSNP rs113993997). Although this variant has been seen in the general population in a heterozygous state, its frequency is low enough to be consistent with a recessive carrier frequency. The presence of a known pseudogene, SBDSP1, can impact the reliability of allele frequencies. Of the 4 affected individuals, 2 were compound heterozygotes that carried a reported pathogenic variant in trans, which increases the likelihood that the c.624+1G>A variant is pathogenic (ClinVar Variation ID: 3196; PMID: 15776428, 26866830). This variant is located in the 5' splice region. There is an in-frame cryptic splice site 39 bases from the intron-exon boundary, providing evidence that this variant may delete 13 amino acids instead of causing loss of function. However, this information is not predictive enough to determine pathogenicity. Loss of function of the SBDS gene is an established disease mechanism in autosomal recessive Shwachman-Diamond syndrome. In summary, although additional studies are required to fully establish its clinical significance, this variant is likely pathogenic for autosomal recessive Shwachman-Diamond syndrome. ACMP/AMP Criteria applied: PM3_strong, PVS1_moderate, PM2_supporting (Richards 2015).

Baylor Genetics
Classification: Likely pathogenic for Aplastic anemia. Last evaluated: 2023-02-19. Review status: criteria provided, single submitter. Criteria: ACMG Guidelines, 2015. Collection method: clinical testing. Allele origin: unknown.

NM_016038.4(SBDS):c.624+1G>A

Gene: SBDS (SBDS ribosome maturation factor; minus strand). Cytogenetic location: 7q11.21.
Variant type: single nucleotide variant.
Coding change: c.624+1G>A on transcript NM_016038.4 (MANE Select); the canonical splice donor site of the intron after coding-DNA position 624, G replaced by A.
Molecular consequence: splice donor variant.
Genome position (GRCh38, 1-based): chr7:66,991,136, C>T on the plus strand (G>A on the coding strand, the complement: SBDS is on the minus strand). VCF-style: chr7-66991136-C-T. GRCh37 (hg19) VCF-style: chr7-66456123-C-T.
Identifiers: ClinVar variation 2678600 (VCV002678600.2), dbSNP rs113993997, ClinGen allele CA4279130.
Genomic context (GRCh38, chr7:66,991,136, plus strand): 5'-TTTATTACTAGAGAATACAATATTTAGGTAACATGAAGCAAAGAAAATATTTGACTCTTA[C>T]GATTTCTAACTGTTGGCCATAATCTTCACTTTCTATGACCTTGATCAGTGGCTTGAGCTT-3'